The following is an entry in ClinVar:

NM_181523.3(PIK3R1):c.1176C>T (p.Phe392=)

Gene: PIK3R1 (phosphoinositide-3-kinase regulatory subunit 1; plus strand). Cytogenetic location: 5q13.1.
Variant type: single nucleotide variant.
Coding change: c.1176C>T on transcript NM_181523.3 (MANE Select); coding-DNA position 1176, C replaced by T.
Protein change: p.Phe392=; no amino-acid change (phenylalanine 392 retained).
Molecular consequence: synonymous variant.
Genome position (GRCh38, 1-based): chr5:68,293,360, C>T. VCF-style: chr5-68293360-C-T. GRCh37 (hg19) VCF-style: chr5-67589188-C-T.
Other names: p.Phe392=; c.87C>T, p.Phe29= (NM_001242466.2); c.366C>T, p.Phe122= (NM_181504.4); c.276C>T, p.Phe92= (NM_181524.2).
Identifiers: ClinVar variation 159720 (VCV000159720.22), dbSNP rs3730090, ClinGen allele CA173183.
Genomic context (GRCh38, chr5:68,293,360, plus strand): 5'-CAGGAAAGGGGGAAATAACAAATTAATCAAAATATTTCATCGAGATGGGAAATATGGCTT[C>T]TCTGACCCATTAACCTTCAGTTCTGTGGTTGAATTAATAAACCACTACCGGAATGAATCT-3'
Protein context (NP_852664.1, residues 382-402): KIFHRDGKYG[Phe392=]SDPLTFSSVV

ClinVar aggregate classification (germline): Benign/Likely benign. Review status: criteria provided, multiple submitters, no conflicts (2 of 4 stars). 7 submissions from 7 submitters: Benign (5); Likely benign (2). Last evaluated 2026-02-04.

Conditions:
Immunodeficiency 36 with lymphoproliferation. Also called: Immunodeficiency 36; ACTIVATED PI3K-DELTA SYNDROME 2; Activated PI3K Delta Syndrome Type 2 (APDS2). Identifiers: Orphanet 397596, Orphanet 693681, MedGen C4014934, MONDO:0014453, OMIM 616005.
SHORT syndrome. Also called: LIPODYSTROPHY, PARTIAL, WITH RIEGER ANOMALY AND SHORT STATURE; PIK3R1-Related SHORT Syndrome; SHORT STATURE, HYPEREXTENSIBILITY, HERNIA, OCULAR DEPRESSION, RIEGER ANOMALY, AND TEETHING DELAY. Identifiers: Orphanet 3163, MedGen C0878684, MONDO:0010026, OMIM 269880.
Agammaglobulinemia 7, autosomal recessive (AGM7). Also called: AGAMMAGLOBULINEMIA, AUTOSOMAL RECESSIVE, DUE TO PIK3R1 DEFECT. Identifiers: MedGen C3554689, MONDO:0014083, OMIM 615214.

Allele frequency attached by ClinVar (database versions not stated): gnomAD exomes 0.02606 and 0.05298; gnomAD 0.04903 and 0.05273; TOPMed 0.05399; ExAC 0.06952; 1000 Genomes Project 30x 0.11009.
gnomAD v4.1: 47,053 of 1,612,240 alleles (2.9%); highest among the groups gnomAD compares: East Asian, 16%; 2,139 homozygotes.

Submissions (7):

Labcorp Genetics (formerly Invitae), Labcorp
Classification: Benign for SHORT syndrome; Immunodeficiency 36 with lymphoproliferation; Agammaglobulinemia 7, autosomal recessive. Last evaluated: 2026-02-04. Review status: criteria provided, single submitter. Criteria: Invitae Variant Classification Sherloc (09022015). Collection method: clinical testing. Allele origin: germline.

Women's Health and Genetics/Laboratory Corporation of America, LabCorp
Classification: Benign. Last evaluated: 2026-01-21. Review status: criteria provided, single submitter. Criteria: LabCorp Variant Classification Summary - May 2015. Collection method: clinical testing. Allele origin: germline.

Blueprint Genetics
Classification: Benign. Last evaluated: 2024-11-26. Review status: criteria provided, single submitter. Criteria: ACMG Guidelines, 2015. Collection method: clinical testing. Allele origin: germline.

Mayo Clinic Laboratories, Mayo Clinic
Classification: Benign. Last evaluated: 2022-04-26. Review status: criteria provided, single submitter. Criteria: ACMG Guidelines, 2015. Collection method: clinical testing. Allele origin: germline. Observed: 77 variant alleles.

GeneDx
Classification: Benign. Last evaluated: 2018-12-10. Review status: criteria provided, single submitter. Criteria: GeneDx Variant Classification Process June 2021. Collection method: clinical testing. Allele origin: germline. Affected: yes.

Genetic Services Laboratory, University of Chicago
Classification: Likely benign. Last evaluated: 2013-10-31. Review status: criteria provided, single submitter. Criteria: ACMG Guidelines, 2007. Collection method: clinical testing. Allele origin: germline. Inheritance: Autosomal dominant inheritance.
Comment: Likely benign based on allele frequency in 1000 Genomes Project or ESP global frequency and its presence in a patient with a rare or unrelated disease phenotype. NOT Sanger confirmed

Breakthrough Genomics
Classification: Likely benign. Review status: criteria provided, single submitter. Criteria: ACMG Guidelines, 2015. Collection method: not provided. Allele origin: germline. Inheritance: Autosomal recessive inheritance. Affected: yes.